The following is an entry in ClinVar:

ClinVar aggregate classification (germline): Uncertain significance (1 of 4 stars; one submission).

Conditions:
DYRK1A-related intellectual disability syndrome (MRD7). Also called: Intellectual developmental disorder, autosomal dominant 7; DYRK1A Syndrome. Identifiers: Orphanet 464306, MedGen C5568143, MONDO:0013578, OMIM 614104.

Submission:

Labcorp Genetics (formerly Invitae), Labcorp
Classification: Uncertain significance for DYRK1A-related intellectual disability syndrome. Last evaluated: 2025-06-02. Review status: criteria provided, single submitter. Criteria: Invitae Variant Classification Sherloc (09022015). Collection method: clinical testing. Allele origin: germline.
Comment: This variant, c.1842_1844dup, results in the insertion of 1 amino acid(s) of the DYRK1A protein (p.His619dup), but otherwise preserves the integrity of the reading frame. The frequency data for this variant in the population databases is considered unreliable, as metrics indicate poor data quality at this position in the gnomAD database. This variant has not been reported in the literature in individuals affected with DYRK1A-related conditions. ClinVar contains an entry for this variant (Variation ID: 539572). Experimental studies and prediction algorithms are not available or were not evaluated, and the functional significance of this variant is currently unknown. In summary, the available evidence is currently insufficient to determine the role of this variant in disease. Therefore, it has been classified as a Variant of Uncertain Significance.

NM_001347721.2(DYRK1A):c.1803CCA[6] (p.His610dup)

Gene: DYRK1A (dual specificity tyrosine phosphorylation regulated kinase 1A; plus strand). Cytogenetic location: 21q22.13.
Variant type: Microsatellite.
Coding change: c.1803CCA[6] on transcript NM_001347721.2 (MANE Select); six copies in a row of the 3-base unit CCA starting at c.1803; the reference has five copies in a row; one copy, 3 bases duplicated.
Protein change: p.His610dup; duplicates histidine 610.
Molecular consequence: inframe insertion. On other transcripts: 3 prime UTR variant (2).
Genome position (GRCh38, 1-based): chr21:37,512,081-37,512,083, CCA duplicated; duplicating any 3 consecutive bases within chr21:37,512,067-37,512,083 gives the same sequence; the position shown is the placement nearest the transcript's 3' end. VCF-style (leftmost placement, unchanged base first): chr21-37512066-T-TCAC. GRCh37 (hg19) VCF-style: chr21-38884369-T-TCAC.
Other names: c.1803CCA[6], p.His610dup (NM_001347722.2, NM_130436.2); c.1716CCA[6], p.His581dup (NM_001347723.2); c.1830CCA[6], p.His619dup (NM_001396.5); c.*206CCA[6] (NM_101395.2); c.*115CCA[6] (NM_130438.2).
Identifiers: ClinVar variation 539572 (VCV000539572.11), dbSNP rs760576043, ClinGen allele CA10024103.